The following is an entry in ClinVar:

ClinVar aggregate classification (germline): Benign. Review status: criteria provided, multiple submitters, no conflicts (2 of 4 stars). 2 submissions from 2 submitters: Benign (2). Last evaluated 2018-01-13.

Conditions:
Amelogenesis imperfecta (AI). Also called: Congenital enamel hypoplasia. Identifiers: Orphanet 88661, MedGen C0002452, MONDO:0019507, HP:0000705.

Allele frequency attached by ClinVar (database versions not stated): gnomAD exomes 0.05393; gnomAD 0.12944 and 0.13488; TOPMed 0.13750; 1000 Genomes Project 0.13838; 1000 Genomes Project 30x 0.14147.

Submissions (2):

Illumina Laboratory Services, Illumina
Classification: Benign for Amelogenesis imperfecta. Last evaluated: 2018-01-13. Review status: criteria provided, single submitter. Criteria: ICSL Variant Classification Criteria 13 December 2019. Collection method: clinical testing. Allele origin: germline.
Comment: This variant was observed in the ICSL laboratory as part of a predisposition screen in an ostensibly healthy population. It had not been previously curated by ICSL or reported in the Human Gene Mutation Database (HGMD: prior to June 1st, 2018), and was therefore a candidate for classification through an automated scoring system. Utilizing variant allele frequency, disease prevalence and penetrance estimates, and inheritance mode, an automated score was calculated to assess if this variant is too frequent to cause the disease. Based on the score and internal cut-off values, a variant classified as benign is not then subjected to further curation. The score for this variant resulted in a classification of benign for this disease.

Breakthrough Genomics
Classification: Benign. Review status: criteria provided, single submitter. Criteria: ACMG Guidelines, 2015. Collection method: not provided. Allele origin: germline. Inheritance: Autosomal recessive inheritance. Affected: yes.

NM_031889.3(ENAM):c.*584A>T

Gene: ENAM (enamelin; plus strand). Cytogenetic location: 4q13.3.
Variant type: single nucleotide variant.
Coding change: c.*584A>T on transcript NM_031889.3 (MANE Select); 584 bases downstream of the stop codon, A replaced by T.
Molecular consequence: 3 prime UTR variant.
Genome position (GRCh38, 1-based): chr4:70,645,439, A>T. VCF-style: chr4-70645439-A-T. GRCh37 (hg19) VCF-style: chr4-71511156-A-T.
Other names: c.*584A>T (NM_001368133.1).
Identifiers: ClinVar variation 349518 (VCV000349518.6), dbSNP rs7695611, ClinGen allele CA10621635.